The following is an entry in ClinVar:

ClinVar aggregate classification (germline): Uncertain significance (1 of 4 stars; one submission).

Allele frequency attached by ClinVar (database versions not stated): TOPMed below 0.00001.

Submission:

Ambry Genetics
Classification: Uncertain significance. Last evaluated: 2022-07-29. Review status: criteria provided, single submitter. Criteria: Ambry Variant Classification Scheme 2023. Collection method: clinical testing. Allele origin: germline.
Comment: The p.L1320F variant (also known as c.3958C>T), located in coding exon 26 of the MYOM1 gene, results from a C to T substitution at nucleotide position 3958. The leucine at codon 1320 is replaced by phenylalanine, an amino acid with highly similar properties. This amino acid position is conserved. In addition, this alteration is predicted to be tolerated by in silico analysis. Since supporting evidence is limited at this time, the clinical significance of this alteration remains unclear.

NM_003803.4(MYOM1):c.3958C>T (p.Leu1320Phe)

Gene: MYOM1 (myomesin 1; minus strand). Cytogenetic location: 18p11.31.
Variant type: single nucleotide variant.
Coding change: c.3958C>T on transcript NM_003803.4 (MANE Select); coding-DNA position 3958, C replaced by T.
Protein change: p.Leu1320Phe; replaces leucine 1320 with phenylalanine.
Molecular consequence: missense variant.
Genome position (GRCh38, 1-based): chr18:3,090,709, G>A on the plus strand (C>T on the coding strand, the complement: MYOM1 is on the minus strand). VCF-style: chr18-3090709-G-A. GRCh37 (hg19) VCF-style: chr18-3090707-G-A.
Other names: c.3670C>T, p.Leu1224Phe (NM_019856.2); short protein forms L1320F, L1224F.
Identifiers: ClinVar variation 1736478 (VCV001736478.2), dbSNP rs998085728, ClinGen allele CA295544951.